The following is an entry in ClinVar:

NM_005159.5(ACTC1):c.452C>T (p.Thr151Ile)

Genes: ACTC1 (actin alpha cardiac muscle 1; minus strand), GJD2-DT (GJD2 divergent transcript; plus strand). Cytogenetic location: 15q14.
Variant type: single nucleotide variant.
Coding change: c.452C>T on transcript NM_005159.5 (MANE Select); coding-DNA position 452, C replaced by T.
Protein change: p.Thr151Ile; replaces threonine 151 with isoleucine.
Molecular consequence: missense variant. On other transcripts: intron variant (1).
Genome position (GRCh38, 1-based): chr15:34,793,247, G>A on the plus strand (C>T on the coding strand, the complement: ACTC1 is on the minus strand). VCF-style: chr15-34793247-G-A. GRCh37 (hg19) VCF-style: chr15-35085448-G-A.
Other names: c.452C>T, p.Thr151Ile (NM_001406482.1, NM_001406483.1); c.317C>T, p.Thr106Ile (NM_001406484.1); c.13+51C>T (NM_001406485.1); short protein forms T106I, T151I.
Identifiers: ClinVar variation 2932696 (VCV002932696.5), dbSNP rs2504182485, ClinGen allele CA391631204.

ClinVar aggregate classification (germline): Uncertain significance. Review status: criteria provided, multiple submitters, no conflicts (2 of 4 stars). 2 submissions from 2 submitters: Uncertain significance (2). Last evaluated 2025-08-18.

Conditions:
Atrial septal defect 5 (ASD5). Identifiers: Orphanet 1478, MedGen C2748552, MONDO:0013011, OMIM 612794.
Hypertrophic cardiomyopathy 11. Also called: ACTC1-Related Familial Hypertrophic Cardiomyopathy. Identifiers: MedGen C2677506, MONDO:0012799, OMIM 612098.
Dilated cardiomyopathy 1R (CMD1R). Identifiers: Orphanet 154, Orphanet 54260, MedGen C3150681, MONDO:0013261, OMIM 613424.

Submissions (2):

GeneDx
Classification: Uncertain significance. Last evaluated: 2025-08-18. Review status: criteria provided, single submitter. Criteria: GeneDx Variant Classification Process June 2021. Collection method: clinical testing. Allele origin: germline.
Comment: Has not been previously published as pathogenic or benign to our knowledge; Not observed at significant frequency in large population cohorts (gnomAD); In silico analysis supports that this missense variant has a deleterious effect on protein structure/function

Labcorp Genetics (formerly Invitae), Labcorp
Classification: Uncertain significance for Dilated cardiomyopathy 1R; Hypertrophic cardiomyopathy 11; Atrial septal defect 5. Last evaluated: 2022-12-23. Review status: criteria provided, single submitter. Criteria: Invitae Variant Classification Sherloc (09022015). Collection method: clinical testing. Allele origin: germline.
Comment: In summary, the available evidence is currently insufficient to determine the role of this variant in disease. Therefore, it has been classified as a Variant of Uncertain Significance. Algorithms developed to predict the effect of sequence changes on RNA splicing suggest that this variant may create or strengthen a splice site. Algorithms developed to predict the effect of missense changes on protein structure and function are either unavailable or do not agree on the potential impact of this missense change (SIFT: "Deleterious"; PolyPhen-2: "Benign"; Align-GVGD: "Class C65"). This variant has not been reported in the literature in individuals affected with ACTC1-related conditions. This variant is not present in population databases (gnomAD no frequency). This sequence change replaces threonine, which is neutral and polar, with isoleucine, which is neutral and non-polar, at codon 151 of the ACTC1 protein (p.Thr151Ile).